The following is an entry in ClinVar:

NM_006922.4(SCN3A):c.1380+6G>T

Gene: SCN3A (sodium voltage-gated channel alpha subunit 3; minus strand). Cytogenetic location: 2q24.3.
Variant type: single nucleotide variant.
Coding change: c.1380+6G>T on transcript NM_006922.4 (MANE Select); 6 bases into the intron after coding-DNA position 1380, G replaced by T.
Molecular consequence: intron variant.
Genome position (GRCh38, 1-based): chr2:165,154,446, C>A on the plus strand (G>T on the coding strand, the complement: SCN3A is on the minus strand). VCF-style: chr2-165154446-C-A. GRCh37 (hg19) VCF-style: chr2-166010956-C-A.
Other names: c.1380+6G>T (NM_001081676.2, NM_001081677.2).
Identifiers: ClinVar variation 953288 (VCV000953288.9), dbSNP rs1688891869, ClinGen allele CA1038780782.

ClinVar aggregate classification (germline): Uncertain significance (1 of 4 stars; one submission).

Allele frequency attached by ClinVar (database versions not stated): gnomAD exomes below 0.00001; gnomAD 0.00001.
gnomAD v4.1: 2 of 1,613,596 alleles (0.00012%); highest among the groups gnomAD compares: Non-Finnish European, 0.00017%; no homozygotes.

Submission:

Labcorp Genetics (formerly Invitae), Labcorp
Classification: Uncertain significance. Last evaluated: 2022-03-19. Review status: criteria provided, single submitter. Criteria: Invitae Variant Classification Sherloc (09022015). Collection method: clinical testing. Allele origin: germline.
Comment: This sequence change falls in intron 11 of the SCN3A gene. It does not directly change the encoded amino acid sequence of the SCN3A protein. It affects a nucleotide within the consensus splice site. This variant is not present in population databases (gnomAD no frequency). In summary, the available evidence is currently insufficient to determine the role of this variant in disease. Therefore, it has been classified as a Variant of Uncertain Significance. Variants that disrupt the consensus splice site are a relatively common cause of aberrant splicing (PMID: 17576681, 9536098). Algorithms developed to predict the effect of sequence changes on RNA splicing suggest that this variant is not likely to affect RNA splicing. ClinVar contains an entry for this variant (Variation ID: 953288). This variant has not been reported in the literature in individuals affected with SCN3A-related conditions.

Literature cited by the submitters: PubMed 17576681; PubMed 9536098.